The following is an entry in ClinVar:

ClinVar aggregate classification (germline): Benign/Likely benign. Review status: criteria provided, multiple submitters, no conflicts (2 of 4 stars). 5 submissions from 5 submitters: Benign (1); Likely benign (3). 1 of the submissions does not count toward it. Last evaluated 2025-12-01.

Conditions:
Mitochondrial complex II deficiency, nuclear type 1. Also called: SUCCINATE CoQ REDUCTASE DEFICIENCY. Identifiers: Orphanet 3208, MedGen C5700310, MONDO:0100294, OMIM 252011.
Pheochromocytoma/paraganglioma syndrome 5. Also called: Paragangliomas 5; SDHA-Related Hereditary Paraganglioma-Pheochromocytoma Syndrome. Identifiers: Orphanet 29072, MedGen C3279992, MONDO:0013602, OMIM 614165.
SDHA-related disorder. Also called: SDHA-related disorders; SDHA-related condition.
Hereditary cancer-predisposing syndrome. Also called: Hereditary neoplastic syndrome; Tumor predisposition; Neoplastic Syndromes, Hereditary; Hereditary Cancer Syndrome. Identifiers: Orphanet 140162, MedGen C0027672, MeSH D009386, MONDO:0015356.

Allele frequency attached by ClinVar (database versions not stated): gnomAD exomes below 0.00001; TOPMed below 0.00001; gnomAD 0.00001.
gnomAD v4.1: 7 of 1,613,750 alleles (0.00043%); highest among the groups gnomAD compares: African/African-American, 0.004%; no homozygotes.

Submissions (5):

CeGaT Center for Human Genetics Tuebingen
Classification: Likely benign. Last evaluated: 2025-12-01. Review status: criteria provided, single submitter. Criteria: CeGaT Center For Human Genetics Tuebingen Variant Classification Criteria Version 2. Collection method: clinical testing. Allele origin: germline. Affected: yes. Observed: 1 variant allele.
Comment: SDHA: BP4, BP7

Labcorp Genetics (formerly Invitae), Labcorp
Classification: Likely benign for Pheochromocytoma/paraganglioma syndrome 5; Mitochondrial complex II deficiency, nuclear type 1. Last evaluated: 2025-12-01. Review status: criteria provided, single submitter. Criteria: Invitae Variant Classification Sherloc (09022015). Collection method: clinical testing. Allele origin: germline.

Myriad Genetics, Inc.
Classification: Benign for Pheochromocytoma/paraganglioma syndrome 5. Last evaluated: 2025-06-04. Review status: criteria provided, single submitter. Criteria: Myriad Autosomal Dominant, Autosomal Recessive and X-Linked Classification Criteria (2023). Collection method: clinical testing. Allele origin: unknown.
Comment: This variant is considered benign. This variant is a silent/synonymous amino acid change and it is not expected to impact splicing.

Ambry Genetics
Classification: Likely benign for Hereditary cancer-predisposing syndrome. Last evaluated: 2020-06-26. Review status: criteria provided, single submitter. Criteria: Ambry Variant Classification Scheme 2023. Collection method: clinical testing. Allele origin: germline.

PreventionGenetics, part of Exact Sciences
Classification: Likely benign for SDHA-related condition. Last evaluated: 2023-05-30. Review status: no assertion criteria provided. Collection method: clinical testing. Allele origin: germline. Not counted in ClinVar's aggregate classification.
Comment: This variant is classified as likely benign based on ACMG/AMP sequence variant interpretation guidelines (Richards et al. 2015 PMID: 25741868, with internal and published modifications).

NM_004168.4(SDHA):c.429G>A (p.Thr143=)

Gene: SDHA (succinate dehydrogenase complex flavoprotein subunit A; plus strand). Cytogenetic location: 5p15.33.
Variant type: single nucleotide variant.
Coding change: c.429G>A on transcript NM_004168.4 (MANE Select); coding-DNA position 429, G replaced by A.
Protein change: p.Thr143=; no amino-acid change (threonine 143 retained).
Molecular consequence: synonymous variant. On other transcripts: intron variant (1).
Genome position (GRCh38, 1-based): chr5:225,535, G>A. VCF-style: chr5-225535-G-A. GRCh37 (hg19) VCF-style: chr5-225650-G-A.
Other names: c.429G>A, p.Thr143= (NM_001330758.2); c.313-348G>A (NM_001294332.2).
Identifiers: ClinVar variation 472389 (VCV000472389.21), dbSNP rs906281170, ClinGen allele CA112815664.